The following is an entry in ClinVar:

NC_000011.9:g.(?_108114670)_(108164214_?)del

Gene: ATM (ATM serine/threonine kinase; plus strand). Cytogenetic location: 11q22.3.
Variant type: Deletion.
Identifiers: ClinVar variation 1069828 (VCV001069828.7).

ClinVar aggregate classification (germline): Pathogenic (1 of 4 stars; one submission).

Conditions:
Ataxia-telangiectasia syndrome (AT). Also called: LOUIS-BAR SYNDROME; Ataxia-telangiectasia, complementation group D; AT, COMPLEMENTATION GROUP C; Cerebello-oculocutaneous telangiectasia; Immunodeficiency with ataxia telangiectasia; ATAXIA-TELANGIECTASIA, COMPLEMENTATION GROUP A. Identifiers: Orphanet 100, MedGen C0004135, MONDO:0008840, OMIM 208900.

Submission:

Labcorp Genetics (formerly Invitae), Labcorp
Classification: Pathogenic for Ataxia-telangiectasia syndrome. Last evaluated: 2021-02-23. Review status: criteria provided, single submitter. Criteria: Invitae Variant Classification Sherloc (09022015). Collection method: clinical testing. Allele origin: germline.
Comment: For these reasons, this variant has been classified as Pathogenic. This variant has not been reported in the literature in individuals with ATM-related conditions. This sequence change is a complex rearrangement involving exons 6-31 of the ATM gene. Although the exact nature of the event is unknown, it likely involves partial deletion and/or inversion of these exons. This is expected to result in an absent or disrupted protein product. Loss-of-function variants in ATM are known to be pathogenic (PMID: 23807571, 25614872).

Literature cited by the submitters: PubMed 23807571; PubMed 25614872.